The following is an entry in ClinVar:

NM_015570.4(AUTS2):c.1268C>G (p.Ser423Cys)

Gene: AUTS2 (activator of transcription and developmental regulator AUTS2; plus strand). Cytogenetic location: 7q11.22.
Variant type: single nucleotide variant.
Coding change: c.1268C>G on transcript NM_015570.4 (MANE Select); coding-DNA position 1268, C replaced by G.
Protein change: p.Ser423Cys; replaces serine 423 with cysteine.
Molecular consequence: missense variant.
Genome position (GRCh38, 1-based): chr7:70,764,805, C>G. VCF-style: chr7-70764805-C-G. GRCh37 (hg19) VCF-style: chr7-70229791-C-G.
Other names: c.1268C>G, p.Ser423Cys (NM_001127231.3); short protein forms S423C.
Identifiers: ClinVar variation 3049205 (VCV003049205.2), dbSNP rs771202006, ClinGen allele CA4280610.

ClinVar aggregate classification (germline): Uncertain significance (0 of 4 stars; one submission).

Conditions:
AUTS2-related disorder. Also called: AUTS2-related condition.

Allele frequency attached by ClinVar (database versions not stated): gnomAD 0.00001; gnomAD exomes 0.00001.
gnomAD v4.1: 7 of 837,780 alleles (0.00084%); highest among the groups gnomAD compares: Non-Finnish European, 0.0014%; no homozygotes.

Submission:

PreventionGenetics, part of Exact Sciences
Classification: Uncertain significance for AUTS2-related condition. Last evaluated: 2023-12-14. Review status: no assertion criteria provided. Collection method: clinical testing. Allele origin: germline.
Comment: The AUTS2 c.1268C>G variant is predicted to result in the amino acid substitution p.Ser423Cys. To our knowledge, this variant has not been reported in the literature. This variant is reported in 0.0034% of alleles in individuals of European (Non-Finnish) descent in gnomAD. At this time, the clinical significance of this variant is uncertain due to the absence of conclusive functional and genetic evidence.